The following is an entry in ClinVar:

NM_001127222.2(CACNA1A):c.4302G>A (p.Glu1434=)

Gene: CACNA1A (calcium voltage-gated channel subunit alpha1 A; minus strand). Cytogenetic location: 19p13.13.
Variant type: single nucleotide variant.
Coding change: c.4302G>A on transcript NM_001127222.2 (MANE Select); coding-DNA position 4302, G replaced by A.
Protein change: p.Glu1434=; no amino-acid change (glutamic acid 1434 retained).
Molecular consequence: synonymous variant.
Genome position (GRCh38, 1-based): chr19:13,259,650, C>T on the plus strand (G>A on the coding strand, the complement: CACNA1A is on the minus strand). VCF-style: chr19-13259650-C-T. GRCh37 (hg19) VCF-style: chr19-13370464-C-T.
Other names: c.4305G>A (NM_000068.2); c.4314G>A, p.Glu1438= (NM_000068.4, NM_023035.3); c.4305G>A, p.Glu1435= (NM_001127221.2, NM_001174080.2).
Identifiers: ClinVar variation 1636913 (VCV001636913.9), dbSNP rs1052611146, ClinGen allele CA305539442.
Genomic context (GRCh38, chr19:13,259,650, plus strand): 5'-GGTGAAGAGGGTCAGCAGAGCCCACAGCACATTGTCGTAATGGAATTCATACTTCTTCCA[C>T]TCCCGGTCTCGCGCCTTCACCTCATTCTTCTCGTAGAGGAGGTATTTGCCTCTGCCACAG-3'
Protein context (NP_001120694.1, residues 1424-1444): EKNEVKARDR[Glu1434=]WKKYEFHYDN

ClinVar aggregate classification (germline): Likely benign. Review status: criteria provided, multiple submitters, no conflicts (2 of 4 stars). 2 submissions from 2 submitters: Likely benign (2). Last evaluated 2025-12-13.

Conditions:
Episodic ataxia type 2 (EA2). Also called: ATAXIA, EPISODIC, WITH NYSTAGMUS; ATAXIA, FAMILIAL PAROXYSMAL; CEREBELLAR ATAXIA, PAROXYSMAL, ACETAZOLAMIDE-RESPONSIVE; CEREBELLOPATHY, HEREDITARY PAROXYSMAL; EPISODIC ATAXIA, NYSTAGMUS-ASSOCIATED; ACETAZOLAMIDE-RESPONSIVE HEREDITARY PAROXYSMAL CEREBELLAR ATAXIA. Identifiers: Orphanet 97, MedGen C1720416, MONDO:0007163, OMIM 108500.
Developmental and epileptic encephalopathy, 42 (DEE42A). Also called: Epileptic encephalopathy, early infantile, 42; DEVELOPMENTAL AND EPILEPTIC ENCEPHALOPATHY 42A; EPILEPTIC ENCEPHALOPATHY, EARLY INFANTILE, 42A. Identifiers: MedGen C4310716, MONDO:0014917, OMIM 617106.

Allele frequency attached by ClinVar (database versions not stated): gnomAD exomes below 0.00001; gnomAD 0.00001; TOPMed 0.00001.
gnomAD v4.1: 7 of 1,610,740 alleles (0.00043%); highest among the groups gnomAD compares: Non-Finnish European, 0.00059%; no homozygotes.

Submissions (2):

Labcorp Genetics (formerly Invitae), Labcorp
Classification: Likely benign for Developmental and epileptic encephalopathy, 42; Episodic ataxia type 2. Last evaluated: 2025-12-13. Review status: criteria provided, single submitter. Criteria: Invitae Variant Classification Sherloc (09022015). Collection method: clinical testing. Allele origin: germline.

Athena Diagnostics
Classification: Likely benign. Last evaluated: 2025-05-02. Review status: criteria provided, single submitter. Criteria: Athena Diagnostics Criteria. Collection method: clinical testing. Allele origin: unknown.
Comment: Computational tools yielded predictions that this variant is unlikely to have an effect on normal RNA splicing. This nucleotide position exhibits low evolutionary conservation.